The following is an entry in ClinVar:

ClinVar aggregate classification (germline): Conflicting classifications of pathogenicity. Review status: criteria provided, conflicting classifications (1 of 4 stars). 2 submissions from 2 submitters: Uncertain significance (1); Likely benign (1). Last evaluated 2023-03-23.

Conditions:
Hereditary breast ovarian cancer syndrome. Also called: BRCA1- and BRCA2-Associated Hereditary Breast and Ovarian Cancer; Hereditary breast and/or ovarian cancer syndrome; Hereditary breast and ovarian cancer syndrome; Hereditary breast and ovarian cancer; Breast and ovarian cancer; Hereditary breast and ovarian cancer syndrome (HBOC). Identifiers: Orphanet 145, MedGen C0677776, MeSH D061325, MONDO:0003582. Disease mechanism: loss of function.
Hereditary cancer-predisposing syndrome. Also called: Tumor predisposition; Hereditary neoplastic syndrome; Hereditary Cancer Syndrome; Neoplastic Syndromes, Hereditary. Identifiers: Orphanet 140162, MedGen C0027672, MeSH D009386, MONDO:0015356.

Submissions (2):

University of Washington Department of Laboratory Medicine, University of Washington
Classification: Likely benign for Hereditary cancer-predisposing syndrome. Last evaluated: 2023-03-23. Review status: criteria provided, single submitter. Criteria: Dines et al. (Genet Med. 2020). Collection method: curation. Allele origin: germline.
Comment: Missense variant in a coldspot region where missense variants are very unlikely to be pathogenic (PMID:31911673).

BRCA2 exon 11 coldspot. Reclassification based on statistical prior probability.

Labcorp Genetics (formerly Invitae), Labcorp
Classification: Uncertain significance for Hereditary breast ovarian cancer syndrome. Last evaluated: 2021-11-04. Review status: criteria provided, single submitter. Criteria: Invitae Variant Classification Sherloc (09022015). Collection method: clinical testing. Allele origin: germline.
Comment: In summary, the available evidence is currently insufficient to determine the role of this variant in disease. Therefore, it has been classified as a Variant of Uncertain Significance. Advanced modeling of protein sequence and biophysical properties (such as structural, functional, and spatial information, amino acid conservation, physicochemical variation, residue mobility, and thermodynamic stability) performed at Invitae indicates that this missense variant is not expected to disrupt BRCA2 protein function. ClinVar contains an entry for this variant (Variation ID: 936445). This variant has not been reported in the literature in individuals affected with BRCA2-related conditions. This variant is not present in population databases (gnomAD no frequency). This sequence change replaces proline, which is neutral and non-polar, with threonine, which is neutral and polar, at codon 2096 of the BRCA2 protein (p.Pro2096Thr).

NM_000059.4(BRCA2):c.6286C>A (p.Pro2096Thr)

Gene: BRCA2 (BRCA2 DNA repair associated; plus strand). Cytogenetic location: 13q13.1.
Variant type: single nucleotide variant.
Coding change: c.6286C>A on transcript NM_000059.4 (MANE Select); coding-DNA position 6286, C replaced by A.
Protein change: p.Pro2096Thr; replaces proline 2096 with threonine.
Molecular consequence: missense variant.
Genome position (GRCh38, 1-based): chr13:32,340,641, C>A. VCF-style: chr13-32340641-C-A. GRCh37 (hg19) VCF-style: chr13-32914778-C-A.
Other names: short protein forms P2096T.
Identifiers: ClinVar variation 936445 (VCV000936445.9), dbSNP rs1309257585, ClinGen allele CA387789002.